The following is an entry in ClinVar:

NM_018993.4(RIN2):c.1729C>T (p.Pro577Ser)

Gene: RIN2 (Ras and Rab interactor 2; plus strand). Cytogenetic location: 20p11.23.
Variant type: single nucleotide variant.
Coding change: c.1729C>T on transcript NM_018993.4 (MANE Select); coding-DNA position 1729, C replaced by T.
Protein change: p.Pro577Ser; replaces proline 577 with serine.
Molecular consequence: missense variant.
Genome position (GRCh38, 1-based): chr20:19,975,754, C>T. VCF-style: chr20-19975754-C-T. GRCh37 (hg19) VCF-style: chr20-19956398-C-T.
Other names: c.1876C>T, p.Pro626Ser (NM_001242581.2); c.1111C>T, p.Pro371Ser (NM_001378238.1); c.1729C>T (NM_018993.3); short protein forms P626S, P371S, P577S.
Identifiers: ClinVar variation 1917971 (VCV001917971.6), dbSNP rs756703809, ClinGen allele CA9780131.

ClinVar aggregate classification (germline): Uncertain significance. Review status: criteria provided, multiple submitters, no conflicts (2 of 4 stars). 2 submissions from 2 submitters: Uncertain significance (2). Last evaluated 2025-11-24.

Conditions:
Inborn genetic diseases. Identifiers: MedGen C0950123, MeSH D030342.

Allele frequency attached by ClinVar (database versions not stated): gnomAD exomes below 0.00001; ExAC 0.00002.
gnomAD v4.1: 4 of 1,612,154 alleles (0.00025%); highest among the groups gnomAD compares: Admixed American, 0.0033%; no homozygotes.

Submissions (2):

Labcorp Genetics (formerly Invitae), Labcorp
Classification: Uncertain significance. Last evaluated: 2025-11-24. Review status: criteria provided, single submitter. Criteria: Invitae Variant Classification Sherloc (09022015). Collection method: clinical testing. Allele origin: germline.
Comment: This sequence change replaces proline, which is neutral and non-polar, with serine, which is neutral and polar, at codon 577 of the RIN2 protein (p.Pro577Ser). This variant is present in population databases (rs756703809, gnomAD 0.003%). This variant has not been reported in the literature in individuals affected with RIN2-related conditions. ClinVar contains an entry for this variant (Variation ID: 1917971). Experimental studies and prediction algorithms are not available or were not evaluated, and the functional significance of this variant is currently unknown. In summary, the available evidence is currently insufficient to determine the role of this variant in disease. Therefore, it has been classified as a Variant of Uncertain Significance.

Ambry Genetics
Classification: Uncertain significance for Inborn genetic diseases. Last evaluated: 2024-11-10. Review status: criteria provided, single submitter. Criteria: Ambry Variant Classification Scheme 2023. Collection method: clinical testing. Allele origin: germline.